The following is an entry in ClinVar:

ClinVar aggregate classification (germline): Uncertain significance. Review status: criteria provided, multiple submitters, no conflicts (2 of 4 stars). 2 submissions from 2 submitters: Uncertain significance (2). Last evaluated 2025-02-20.

Conditions:
Cardiovascular phenotype. Identifiers: MedGen CN230736.
Hereditary cancer-predisposing syndrome. Also called: Hereditary Cancer Syndrome; Tumor predisposition; Hereditary neoplastic syndrome; Neoplastic Syndromes, Hereditary. Identifiers: Orphanet 140162, MedGen C0027672, MeSH D009386, MONDO:0015356.
Neurofibromatosis, type 1 (NF1). Also called: Neurofibromatosis, type I; Peripheral type neurofibromatosis; NEUROFIBROMATOSIS, TYPE I, SOMATIC; VON RECKLINGHAUSEN DISEASE. Identifiers: Orphanet 636, MedGen C0027831, MONDO:0018975, OMIM 162200. Disease mechanism: loss of function.

Submissions (2):

Ambry Genetics
Classification: Uncertain significance for Cardiovascular phenotype; Hereditary cancer-predisposing syndrome. Last evaluated: 2025-02-20. Review status: criteria provided, single submitter. Criteria: Ambry Variant Classification Scheme 2023. Collection method: clinical testing. Allele origin: germline.
Comment: The p.A1281D variant (also known as c.3842C>A), located in coding exon 28 of the NF1 gene, results from a C to A substitution at nucleotide position 3842. The alanine at codon 1281 is replaced by aspartic acid, an amino acid with dissimilar properties. This amino acid position is conserved. In addition, this alteration is predicted to be deleterious by in silico analysis. Based on the available evidence, the clinical significance of this variant remains unclear.

Labcorp Genetics (formerly Invitae), Labcorp
Classification: Uncertain significance for Neurofibromatosis, type 1. Last evaluated: 2022-05-27. Review status: criteria provided, single submitter. Criteria: Invitae Variant Classification Sherloc (09022015). Collection method: clinical testing. Allele origin: germline.
Comment: This sequence change replaces alanine, which is neutral and non-polar, with aspartic acid, which is acidic and polar, at codon 1281 of the NF1 protein (p.Ala1281Asp). In summary, the available evidence is currently insufficient to determine the role of this variant in disease. Therefore, it has been classified as a Variant of Uncertain Significance. Advanced modeling of protein sequence and biophysical properties (such as structural, functional, and spatial information, amino acid conservation, physicochemical variation, residue mobility, and thermodynamic stability) performed at Invitae indicates that this missense variant is expected to disrupt NF1 protein function. This variant has not been reported in the literature in individuals affected with NF1-related conditions. This variant is not present in population databases (gnomAD no frequency).

NM_001042492.3(NF1):c.3842C>A (p.Ala1281Asp)

Gene: NF1 (neurofibromin 1; plus strand). Cytogenetic location: 17q11.2.
Variant type: single nucleotide variant.
Coding change: c.3842C>A on transcript NM_001042492.3 (MANE Select); coding-DNA position 3842, C replaced by A.
Protein change: p.Ala1281Asp; replaces alanine 1281 with aspartic acid.
Molecular consequence: missense variant.
Genome position (GRCh38, 1-based): chr17:31,235,744, C>A. VCF-style: chr17-31235744-C-A. GRCh37 (hg19) VCF-style: chr17-29562762-C-A.
Other names: c.3842C>A, p.Ala1281Asp (NM_000267.4); short protein forms A1281D.
Identifiers: ClinVar variation 1999737 (VCV001999737.5), dbSNP rs1060500341, ClinGen allele CA398992813.